The following is an entry in ClinVar:

NM_006885.4(ZFHX3):c.10553_10554insTGG (p.Gly3527_Ser3528insGly)

Genes: ZFHX3 (zinc finger homeobox 3; minus strand), ZFHX3-AS1 (ZFHX3 antisense RNA 1; plus strand). Cytogenetic location: 16q22.2.
Variant type: Insertion.
Coding change: c.10553_10554insTGG on transcript NM_006885.4 (MANE Select); coding-DNA positions 10553 to 10554, TGG inserted.
Protein change: p.Gly3527_Ser3528insGly.
Genome position: GRCh38 VCF-style: chr16-72787722-G-GCCA. GRCh37 (hg19) VCF-style: chr16-72821621-G-GCCA.
Other names: c.7811_7812insTGG, p.Gly2613_Ser2614insGly (NM_001164766.2); c.10553_10554insTGG, p.Gly3527_Ser3528insGly (NM_001386735.1).
Identifiers: ClinVar variation 3054141 (VCV003054141.2), dbSNP rs747303430, ClinGen allele CA8162421.

ClinVar aggregate classification (germline): Likely benign (0 of 4 stars; one submission).

Conditions:
ZFHX3-related disorder. Also called: ZFHX3-related condition.

Submission:

PreventionGenetics, part of Exact Sciences
Classification: Likely benign for ZFHX3-related condition. Last evaluated: 2022-07-25. Review status: no assertion criteria provided. Collection method: clinical testing. Allele origin: germline.
Comment: This variant is classified as likely benign based on ACMG/AMP sequence variant interpretation guidelines (Richards et al. 2015 PMID: 25741868, with internal and published modifications).